The following is an entry in ClinVar:

ClinVar aggregate classification (germline): Likely benign (0 of 4 stars; one submission).

Conditions:
NRP1-related disorder. Also called: NRP1-related condition.

Allele frequency attached by ClinVar (database versions not stated): ESP Exome Variant Server 0.00008; gnomAD 0.00009; TOPMed 0.00012; 1000 Genomes Project 30x 0.00016; ExAC 0.00016; 1000 Genomes Project 0.00020.
gnomAD v4.1: 286 of 1,614,058 alleles (0.018%); highest among the groups gnomAD compares: Middle Eastern, 0.18%; no homozygotes.

Submission:

PreventionGenetics, part of Exact Sciences
Classification: Likely benign for NRP1-related condition. Last evaluated: 2019-03-25. Review status: no assertion criteria provided. Collection method: clinical testing. Allele origin: germline.
Comment: This variant is classified as likely benign based on ACMG/AMP sequence variant interpretation guidelines (Richards et al. 2015 PMID: 25741868, with internal and published modifications).

NM_003873.7(NRP1):c.1611G>A (p.Ala537=)

Gene: NRP1 (neuropilin 1; minus strand). Cytogenetic location: 10p11.22.
Variant type: single nucleotide variant.
Coding change: c.1611G>A on transcript NM_003873.7 (MANE Select); coding-DNA position 1611, G replaced by A.
Protein change: p.Ala537=; no amino-acid change (alanine 537 retained).
Molecular consequence: synonymous variant. On other transcripts: non-coding transcript variant (1).
Genome position (GRCh38, 1-based): chr10:33,213,389, C>T on the plus strand (G>A on the coding strand, the complement: NRP1 is on the minus strand). VCF-style: chr10-33213389-C-T. GRCh37 (hg19) VCF-style: chr10-33502317-C-T.
Other names: c.1611G>A, p.Ala537= (NM_001024628.3, NM_001024629.3, NM_001244972.2 and 2 more transcripts).
Identifiers: ClinVar variation 3058668 (VCV003058668.2), dbSNP rs150625889, ClinGen allele CA5466611.